The following is an entry in ClinVar:

NM_001379200.1(TBX1):c.1135A>G (p.Ser379Gly)

Gene: TBX1 (T-box transcription factor 1; plus strand). Cytogenetic location: 22q11.21.
Variant type: single nucleotide variant.
Coding change: c.1135A>G on transcript NM_001379200.1 (MANE Select); coding-DNA position 1135, A replaced by G.
Protein change: p.Ser379Gly; replaces serine 379 with glycine.
Molecular consequence: missense variant. On other transcripts: intron variant (2).
Genome position (GRCh38, 1-based): chr22:19,766,487, A>G. VCF-style: chr22-19766487-A-G. GRCh37 (hg19) VCF-style: chr22-19754010-A-G.
Other names: c.1108A>G, p.Ser370Gly (NM_080647.1); c.1009+485A>G (NM_005992.1, NM_080646.2); short protein forms S370G, S379G.
Identifiers: ClinVar variation 1057970 (VCV001057970.9), dbSNP rs2145838292, ClinGen allele CA410684243.
Genomic context (GRCh38, chr22:19,766,487, plus strand): 5'-GGCGGGCCAGCAGTGCTCGGGGACCCGGCGCATCCTCCGCAGCTGCTGGCCCGGGTGCTA[A>G]GCCCCTCGCTGCCCGGGGCCGGCGGCGCCGGCGGCTTAGTCCCGCTGCCCGGCGCGCCCG-3'
Protein context (NP_001366129.1, residues 369-389): HPPQLLARVL[Ser379Gly]PSLPGAGGAG

ClinVar aggregate classification (germline): Uncertain significance (1 of 4 stars; one submission).

Conditions:
DiGeorge syndrome. Also called: Catch22; THIRD AND FOURTH PHARYNGEAL POUCH SYNDROME. Identifiers: Orphanet 567, MedGen C0012236, MONDO:0008564, OMIM 188400.

Submission:

Labcorp Genetics (formerly Invitae), Labcorp
Classification: Uncertain significance for DiGeorge syndrome. Last evaluated: 2020-05-20. Review status: criteria provided, single submitter. Criteria: Invitae Variant Classification Sherloc (09022015). Collection method: clinical testing. Allele origin: germline.
Comment: This sequence change replaces serine with glycine at codon 370 of the TBX1 protein (p.Ser370Gly). The serine residue is moderately conserved and there is a small physicochemical difference between serine and glycine. In summary, the available evidence is currently insufficient to determine the role of this variant in disease. Therefore, it has been classified as a Variant of Uncertain Significance. Algorithms developed to predict the effect of sequence changes on RNA splicing suggest that this variant may create or strengthen a splice site, but this prediction has not been confirmed by published transcriptional studies. Algorithms developed to predict the effect of missense changes on protein structure and function are either unavailable or do not agree on the potential impact of this missense change (SIFT: "Deleterious"; PolyPhen-2: "Benign"; Align-GVGD: "Class C0"). This variant has not been reported in the literature in individuals with TBX1-related conditions. The frequency data for this variant in the population databases is considered unreliable, as metrics indicate insufficient coverage at this position in the ExAC database.